The following is an entry in ClinVar:

ClinVar aggregate classification (germline): Benign (1 of 4 stars; one submission).

Allele frequency attached by ClinVar (database versions not stated): TOPMed 0.46209; gnomAD 0.46630; gnomAD exomes 0.47303; 1000 Genomes Project 30x 0.52577; 1000 Genomes Project 0.52696; ExAC 0.54416.
gnomAD v4.1: 214,477 of 456,122 alleles (47%); highest among the groups gnomAD compares: South Asian, 61%; 51,694 homozygotes.

Submission:

Unidad de Genómica Garrahan, Hospital de Pediatría Garrahan
Classification: Benign. Last evaluated: 2024-07-15. Review status: criteria provided, single submitter. Criteria: ACMG Guidelines, 2015. Collection method: clinical testing. Allele origin: germline. Affected: no. Observed: 61 variant alleles.
Comment: This variant is classified as Benign based on local population frequency. This variant was detected in 66% of patients studied in a panel designed for Epileptic and Developmental Encephalopathy and Progressive Myoclonus Epilepsy. Number of patients: 61. Only high quality variants are reported.

NM_020822.3(KCNT1):c.434+1316T>C

Gene: KCNT1 (potassium sodium-activated channel subfamily T member 1; plus strand). Cytogenetic location: 9q34.3.
Variant type: single nucleotide variant.
Coding change: c.434+1316T>C on transcript NM_020822.3 (MANE Select); 1316 bases into the intron after coding-DNA position 434, T replaced by C.
Molecular consequence: intron variant.
Genome position (GRCh38, 1-based): chr9:135,752,357, T>C. VCF-style: chr9-135752357-T-C. GRCh37 (hg19) VCF-style: chr9-138644203-T-C.
Other names: c.290+1316T>C (NM_001272003.2).
Identifiers: ClinVar variation 3255251 (VCV003255251.2), dbSNP rs10735239.